The following is an entry in ClinVar:

ClinVar aggregate classification (germline): Pathogenic (1 of 4 stars; one submission).

Conditions:
Early-onset non-syndromic cataract. Also called: NUCLEAR SCLEROSIS OF THE LENS; Age-related nuclear cataract. Identifiers: Orphanet 91492, MedGen C1832423, MONDO:0011060, OMIM 601371, HP:0011142.

Submission:

Genetics Department, University Hospital of Toulouse
Classification: Pathogenic for Early-onset non-syndromic cataract. Last evaluated: 2025-10-05. Review status: criteria provided, single submitter. Criteria: ACMG Guidelines, 2015. Collection method: clinical testing. Allele origin: de novo. Affected: yes. Observed: 1 variant allele.
Comment: The NM_001886.3:c.220T>C p.(Tyr74His) is a missense variant in CRYBA4. It was classified as P: (PS2, PM1, PM2, PP3_strong).

NM_001886.3(CRYBA4):c.220T>C (p.Tyr74His)

Gene: CRYBA4 (crystallin beta A4; plus strand). Cytogenetic location: 22q12.1.
Variant type: single nucleotide variant.
Coding change: c.220T>C on transcript NM_001886.3 (MANE Select); coding-DNA position 220, T replaced by C.
Protein change: p.Tyr74His; replaces tyrosine 74 with histidine.
Molecular consequence: missense variant.
Genome position (GRCh38, 1-based): chr22:26,625,542, T>C. VCF-style: chr22-26625542-T-C. GRCh37 (hg19) VCF-style: chr22-27021506-T-C.
Other names: short protein forms Y74H.
Identifiers: ClinVar variation 4796487 (VCV004796487.1).
Genomic context (GRCh38, chr22:26,625,542, plus strand): 5'-TGGGTGGGCTTTGAGCATGCTGGCTTCCAAGGGCAGCAGTACATTCTGGAACGAGGCGAA[T>C]ATCCAAGCTGGGATGCCTGGGGCGGCAACACGGCCTACCCCGCCGAGAGGCTCACCTCCT-3'
Protein context (NP_001877.1, residues 64-84): GQQYILERGE[Tyr74His]PSWDAWGGNT